The following is an entry in ClinVar:

ClinVar aggregate classification (germline): Pathogenic (1 of 4 stars; one submission).

Submission:

Labcorp Genetics (formerly Invitae), Labcorp
Classification: Pathogenic. Last evaluated: 2023-04-11. Review status: criteria provided, single submitter. Criteria: Invitae Variant Classification Sherloc (09022015). Collection method: clinical testing. Allele origin: germline.
Comment: For these reasons, this variant has been classified as Pathogenic. This variant has not been reported in the literature in individuals affected with COL18A1-related conditions. This variant is not present in population databases (gnomAD no frequency). This sequence change creates a premature translational stop signal (p.Phe489Leufs*21) in the COL18A1 gene. It is expected to result in an absent or disrupted protein product. Loss-of-function variants in COL18A1 are known to be pathogenic (PMID: 12415512, 25456301).

Literature cited by the submitters: PubMed 12415512; PubMed 25456301.

NM_001379500.1(COL18A1):c.1467_1470del (p.Phe489fs)

Gene: COL18A1 (collagen type XVIII alpha 1 chain; plus strand). Cytogenetic location: 21q22.3.
Variant type: Deletion.
Coding change: c.1467_1470del on transcript NM_001379500.1 (MANE Select); coding-DNA positions 1467 to 1470, 4 bases deleted (CCCT; older notation c.1467_1470delCCCT).
Protein change: p.Phe489fs; shifts the reading frame from phenylalanine 489.
Molecular consequence: frameshift variant.
Genome position (GRCh38, 1-based): chr21:45,480,714-45,480,717, CCCT deleted; deleting any 4 consecutive bases within chr21:45,480,713-45,480,717 gives the same sequence; the c. name uses the placement nearest the transcript's 3' end. VCF-style (leftmost placement, unchanged base first): chr21-45480712-TTCCC-T. GRCh37 (hg19) VCF-style: chr21-46900626-TTCCC-T.
Other names: c.2007_2010del, p.Phe669fs (NM_030582.4); c.2712_2715del, p.Phe904fs (NM_130444.3); short protein forms F669fs, F904fs, F489fs.
Identifiers: ClinVar variation 2855181 (VCV002855181.3), dbSNP rs2517627198, ClinGen allele CA2739265648.